The following is an entry in ClinVar:

ClinVar aggregate classification (germline): Likely benign. Review status: criteria provided, multiple submitters, no conflicts (2 of 4 stars). 2 submissions from 2 submitters: Likely benign (2). Last evaluated 2023-05-23.

Conditions:
Hypokalemic periodic paralysis, type 1. Also called: HypoPP; Hypokalemic Periodic Paralysis Type 1 (AD). Identifiers: Orphanet 681, MedGen C3714580, MONDO:0042979, OMIM 170400.
Malignant hyperthermia, susceptibility to, 5 (MHS5). Also called: CACNA1S-Related Malignant Hyperthermia Susceptibility. Identifiers: Orphanet 423, MedGen C1866077, MONDO:0011163, OMIM 601887.

Allele frequency attached by ClinVar (database versions not stated): TOPMed below 0.00001; gnomAD 0.00001.
gnomAD v4.1: 1 of 1,590,190 alleles (0.000063%); highest among the groups gnomAD compares: Admixed American, 0.0017%; no homozygotes.

Submissions (2):

Labcorp Genetics (formerly Invitae), Labcorp
Classification: Likely benign for Hypokalemic periodic paralysis, type 1; Malignant hyperthermia, susceptibility to, 5. Last evaluated: 2023-05-23. Review status: criteria provided, single submitter. Criteria: Invitae Variant Classification Sherloc (09022015). Collection method: clinical testing. Allele origin: germline.

All of Us Research Program, National Institutes of Health
Classification: Likely benign for Malignant hyperthermia, susceptibility to, 5. Last evaluated: 2023-05-16. Review status: criteria provided, single submitter. Criteria: ACMG Guidelines, 2015. Collection method: clinical testing. Allele origin: germline. Inheritance: Autosomal dominant inheritance. Observed: 2 variant alleles, 2 heterozygotes.
Comment: This study involves interpretation of variants in research participants for the purpose of population health screening. Participant phenotype was not available at the time of variant classification. Additional details can be found in publication PMID: 35346344, PMCID: PMC8962531

NM_000069.3(CACNA1S):c.1949-8C>T

Gene: CACNA1S (calcium voltage-gated channel subunit alpha1 S; minus strand). Cytogenetic location: 1q32.1.
Variant type: single nucleotide variant.
Coding change: c.1949-8C>T on transcript NM_000069.3 (MANE Select); 8 bases into the intron before coding-DNA position 1949, C replaced by T.
Molecular consequence: intron variant.
Genome position (GRCh38, 1-based): chr1:201,074,628, G>A on the plus strand (C>T on the coding strand, the complement: CACNA1S is on the minus strand). VCF-style: chr1-201074628-G-A. GRCh37 (hg19) VCF-style: chr1-201043756-G-A.
Identifiers: ClinVar variation 2138037 (VCV002138037.5), dbSNP rs1476837977, ClinGen allele CA730084792.
Genomic context (GRCh38, chr1:201,074,628, plus strand): 5'-CGCCTCGGCCAGGTTGTCCACGGCAATGGCCAGGAAGACATTGAGCAGGATGTCTGAGCG[G>A]GTTTAGCTAAGGAGCCTTTGGTTGTAGGTGGAAGGGAGCCTGCAGGGCAGGAGTTCTGTC-3'